The following is an entry in ClinVar:

ClinVar aggregate classification (germline): Uncertain significance (1 of 4 stars; one submission).

Submission:

Ambry Genetics
Classification: Uncertain significance. Last evaluated: 2022-01-07. Review status: criteria provided, single submitter. Criteria: Ambry Variant Classification Scheme 2023. Collection method: clinical testing. Allele origin: germline.
Comment: The p.Q329K variant (also known as c.985C>A), located in coding exon 8 of the RECQL gene, results from a C to A substitution at nucleotide position 985. The glutamine at codon 329 is replaced by lysine, an amino acid with similar properties. This amino acid position is conserved. In addition, this alteration is predicted to be tolerated by in silico analysis. Since supporting evidence is limited at this time, the clinical significance of this alteration remains unclear.

NM_002907.4(RECQL):c.985C>A (p.Gln329Lys)

Gene: RECQL (RecQ like helicase; minus strand). Cytogenetic location: 12p12.1.
Variant type: single nucleotide variant.
Coding change: c.985C>A on transcript NM_002907.4 (MANE Select); coding-DNA position 985, C replaced by A.
Protein change: p.Gln329Lys; replaces glutamine 329 with lysine.
Molecular consequence: missense variant.
Genome position (GRCh38, 1-based): chr12:21,475,789, G>T on the plus strand (C>A on the coding strand, the complement: RECQL is on the minus strand). VCF-style: chr12-21475789-G-T. GRCh37 (hg19) VCF-style: chr12-21628723-G-T.
Other names: c.985C>A, p.Gln329Lys (NM_032941.3); short protein forms Q329K.
Identifiers: ClinVar variation 1768416 (VCV001768416.2), dbSNP rs2540347134, ClinGen allele CA384122066.